The following is an entry in ClinVar:

ClinVar aggregate classification (germline): Uncertain significance. Review status: criteria provided, multiple submitters, no conflicts (2 of 4 stars). 2 submissions from 2 submitters: Uncertain significance (2). Last evaluated 2024-09-13.

Conditions:
Hereditary cancer-predisposing syndrome. Also called: Tumor predisposition; Hereditary Cancer Syndrome; Hereditary neoplastic syndrome; Neoplastic Syndromes, Hereditary. Identifiers: Orphanet 140162, MedGen C0027672, MeSH D009386, MONDO:0015356.
Rhabdoid tumor predisposition syndrome 2 (RTPS2). Identifiers: Orphanet 231108, Orphanet 69077, MedGen C2750074, MONDO:0013224, OMIM 613325.

Submissions (2):

Labcorp Genetics (formerly Invitae), Labcorp
Classification: Uncertain significance for Rhabdoid tumor predisposition syndrome 2. Last evaluated: 2024-09-13. Review status: criteria provided, single submitter. Criteria: Invitae Variant Classification Sherloc (09022015). Collection method: clinical testing. Allele origin: germline.
Comment: This sequence change replaces glycine, which is neutral and non-polar, with aspartic acid, which is acidic and polar, at codon 360 of the SMARCA4 protein (p.Gly360Asp). This variant is not present in population databases (gnomAD no frequency). This variant has not been reported in the literature in individuals affected with SMARCA4-related conditions. ClinVar contains an entry for this variant (Variation ID: 486469). Invitae Evidence Modeling of protein sequence and biophysical properties (such as structural, functional, and spatial information, amino acid conservation, physicochemical variation, residue mobility, and thermodynamic stability) indicates that this missense variant is expected to disrupt SMARCA4 protein function with a positive predictive value of 95%. In summary, the available evidence is currently insufficient to determine the role of this variant in disease. Therefore, it has been classified as a Variant of Uncertain Significance.

Ambry Genetics
Classification: Uncertain significance for Hereditary cancer-predisposing syndrome. Last evaluated: 2016-04-26. Review status: criteria provided, single submitter. Criteria: Ambry Variant Classification Scheme 2023. Collection method: clinical testing. Allele origin: germline.
Comment: The p.G360D variant (also known as c.1079G>A), located in coding exon 5 of the SMARCA4 gene, results from a G to A substitution at nucleotide position 1079. The glycine at codon 360 is replaced by aspartic acid, an amino acid with similar properties. This variant was not reported in population based cohorts in the following databases: Database of Single Nucleotide Polymorphisms (dbSNP), NHLBI Exome Sequencing Project (ESP), and 1000 Genomes Project. In the ESP, this variant was not observed in 6355 samples (12710 alleles) with coverage at this position. To date, this alteration has been detected with an allele frequency of approximately 0.003% (greater than 30000 alleles tested) in our clinical cohort. This amino acid position is highly conserved in available vertebrate species. In addition, this alteration is predicted to be deleterious by in silico analysis. Since supporting evidence is limited at this time, the clinical significance of this alteration remains unclear.

NM_003072.5(SMARCA4):c.1079G>A (p.Gly360Asp)

Gene: SMARCA4 (SWI/SNF related BAF chromatin remodeling complex subunit ATPase 4; plus strand). Cytogenetic location: 19p13.2.
Variant type: single nucleotide variant.
Coding change: c.1079G>A on transcript NM_003072.5 (MANE Select); coding-DNA position 1079, G replaced by A.
Protein change: p.Gly360Asp; replaces glycine 360 with aspartic acid.
Molecular consequence: missense variant. On other transcripts: non-coding transcript variant (1).
Genome position (GRCh38, 1-based): chr19:10,987,885, G>A. VCF-style: chr19-10987885-G-A. GRCh37 (hg19) VCF-style: chr19-11098561-G-A.
Other names: c.1079G>A, p.Gly360Asp (NM_001128844.3, NM_001128845.2, NM_001128846.2 and 5 more transcripts); short protein forms G360D.
Identifiers: ClinVar variation 486469 (VCV000486469.8), dbSNP rs1555755289, ClinGen allele CA404058816.
Genomic context (GRCh38, chr19:10,987,885, plus strand): 5'-CGCCCATGGTGCCACTGCACCAGAAGCAGAGCCGCATCACCCCCATCCAGAAGCCGCGGG[G>A]CCTCGACCCTGTGGAGATCCTGCAGGAGCGCGAGTACAGGTGAGGGCGGGGCCCAGTTGC-3'
Protein context (NP_003063.2, residues 350-370): SRITPIQKPR[Gly360Asp]LDPVEILQER